The following is an entry in ClinVar:

ClinVar aggregate classification (germline): Pathogenic (1 of 4 stars; one submission).

Conditions:
Retinitis pigmentosa 25 (RP25). Identifiers: Orphanet 791, MedGen C1864446, MONDO:0011272, OMIM 602772.

Submission:

Myriad Genetics, Inc.
Classification: Pathogenic for Retinitis pigmentosa 25. Last evaluated: 2024-05-14. Review status: criteria provided, single submitter. Criteria: Myriad Autosomal Dominant, Autosomal Recessive and X-Linked Classification Criteria (2023). Collection method: clinical testing. Allele origin: unknown.
Comment: NM_001142800.1(EYS):c.7111C>T(Q2371*) is expected to be pathogenic in the context of retinitis pigmentosa, EYS-related. This variant is predicted to lead to an abnormal or absent protein product due to the creation of a premature termination codon in EYS, a gene where loss-of-function variants are known to be pathogenic. Please note: this variant was assessed in the context of healthy population screening.

NM_001142800.2(EYS):c.7111C>T (p.Gln2371Ter)

Gene: EYS (EGF-like photoreceptor maintenance factor; minus strand). Cytogenetic location: 6q12.
Variant type: single nucleotide variant.
Coding change: c.7111C>T on transcript NM_001142800.2 (MANE Select); coding-DNA position 7111, C replaced by T.
Protein change: p.Gln2371Ter; replaces glutamine 2371 with a stop codon.
Molecular consequence: nonsense.
Genome position (GRCh38, 1-based): chr6:63,864,303, G>A on the plus strand (C>T on the coding strand, the complement: EYS is on the minus strand). VCF-style: chr6-63864303-G-A. GRCh37 (hg19) VCF-style: chr6-64574196-G-A.
Other names: c.7111C>T, p.Gln2371Ter (NM_001292009.2); short protein forms Q2371*.
Identifiers: ClinVar variation 5013052 (VCV005013052.1).